The following is an entry in ClinVar:

ClinVar aggregate classification (germline): Uncertain significance. Review status: criteria provided, multiple submitters, no conflicts (2 of 4 stars). 4 submissions from 4 submitters: Uncertain significance (4). Last evaluated 2025-02-20.

Conditions:
Hereditary cancer-predisposing syndrome. Also called: Neoplastic Syndromes, Hereditary; Hereditary neoplastic syndrome; Hereditary Cancer Syndrome; Tumor predisposition. Identifiers: Orphanet 140162, MedGen C0027672, MeSH D009386, MONDO:0015356.
Tuberous sclerosis 1 (TSC1). Identifiers: Orphanet 805, MedGen C1854465, MONDO:0008612, OMIM 191100.

Submissions (4):

Ambry Genetics
Classification: Uncertain significance for Hereditary cancer-predisposing syndrome. Last evaluated: 2025-02-20. Review status: criteria provided, single submitter. Criteria: Ambry Variant Classification Scheme 2023. Collection method: clinical testing. Allele origin: germline.
Comment: The p.S468C variant (also known as c.1403C>G), located in coding exon 12 of the TSC1 gene, results from a C to G substitution at nucleotide position 1403. The serine at codon 468 is replaced by cysteine, an amino acid with dissimilar properties. This amino acid position is conserved. In addition, the in silico prediction for this alteration is inconclusive. Since supporting evidence is limited at this time, the clinical significance of this alteration remains unclear.

Labcorp Genetics (formerly Invitae), Labcorp
Classification: Uncertain significance for Tuberous sclerosis 1. Last evaluated: 2023-09-01. Review status: criteria provided, single submitter. Criteria: Invitae Variant Classification Sherloc (09022015). Collection method: clinical testing. Allele origin: germline.
Comment: In summary, the available evidence is currently insufficient to determine the role of this variant in disease. Therefore, it has been classified as a Variant of Uncertain Significance. An algorithm developed to predict the effect of missense changes on protein structure and function (PolyPhen-2) suggests that this variant is likely to be disruptive. ClinVar contains an entry for this variant (Variation ID: 943989). This variant has not been reported in the literature in individuals affected with TSC1-related conditions. This variant is not present in population databases (gnomAD no frequency). This sequence change replaces serine, which is neutral and polar, with cysteine, which is neutral and slightly polar, at codon 468 of the TSC1 protein (p.Ser468Cys).

Genome-Nilou Lab
Classification: Uncertain significance for Tuberous sclerosis 1. Last evaluated: 2021-11-07. Review status: criteria provided, single submitter. Criteria: ACMG Guidelines, 2015. Collection method: clinical testing. Allele origin: germline. Affected: no.

GeneDx
Classification: Uncertain significance. Last evaluated: 2019-04-15. Review status: criteria provided, single submitter. Criteria: GeneDx Variant Classification Process June 2021. Collection method: clinical testing. Allele origin: germline. Affected: yes.
Comment: Not observed in large population cohorts (Lek et al., 2016); Has not been previously published as pathogenic or benign to our knowledge

NM_000368.5(TSC1):c.1403C>G (p.Ser468Cys)

Gene: TSC1 (TSC complex subunit 1; minus strand). Cytogenetic location: 9q34.13.
Variant type: single nucleotide variant.
Coding change: c.1403C>G on transcript NM_000368.5 (MANE Select); coding-DNA position 1403, C replaced by G.
Protein change: p.Ser468Cys; replaces serine 468 with cysteine.
Molecular consequence: missense variant.
Genome position (GRCh38, 1-based): chr9:132,906,766, G>C on the plus strand (C>G on the coding strand, the complement: TSC1 is on the minus strand). VCF-style: chr9-132906766-G-C. GRCh37 (hg19) VCF-style: chr9-135782153-G-C.
Other names: c.1400C>G, p.Ser467Cys (NM_001162426.2); c.1250C>G, p.Ser417Cys (NM_001162427.2); c.1040C>G, p.Ser347Cys (NM_001362177.2); short protein forms S467C, S468C, S347C, S417C.
Identifiers: ClinVar variation 943989 (VCV000943989.15), dbSNP rs1845695519, ClinGen allele CA375365892.